The following is an entry in ClinVar:

ClinVar aggregate classification (germline): Pathogenic (1 of 4 stars; one submission).

Conditions:
Cohen syndrome (COH1). Also called: PEPPER SYNDROME; Cutis verticis gyrata, retinitis pigmentosa, and sensorineural deafness. Identifiers: Orphanet 193, MedGen C0265223, MONDO:0008999, OMIM 216550.

Submission:

Labcorp Genetics (formerly Invitae), Labcorp
Classification: Pathogenic for Cohen syndrome. Last evaluated: 2018-05-21. Review status: criteria provided, single submitter. Criteria: Invitae Variant Classification Sherloc (09022015). Collection method: clinical testing. Allele origin: germline.
Comment: For these reasons, this variant has been classified as Pathogenic. Loss-of-function variants in VPS13B are known to be pathogenic (PMID: 15141358, 16648375, 20461111). Algorithms developed to predict the effect of sequence changes on RNA splicing suggest that this variant may create or strengthen a splice site, but this prediction has not been confirmed by published transcriptional studies. This variant has not been reported in the literature in individuals with VPS13B-related disease. This variant is not present in population databases (ExAC no frequency). This sequence change creates a premature translational stop signal (p.Trp3164*) in the VPS13B gene. It is expected to result in an absent or disrupted protein product.

Literature cited by the submitters: PubMed 15141358; PubMed 16648375; PubMed 20461111.

NM_152564.5(VPS13B):c.9416G>A (p.Trp3139Ter)

Gene: VPS13B (vacuolar protein sorting 13 homolog B; plus strand). Cytogenetic location: 8q22.2.
Variant type: single nucleotide variant.
Coding change: c.9416G>A on transcript NM_152564.5 (MANE Select); coding-DNA position 9416, G replaced by A.
Protein change: p.Trp3139Ter; replaces tryptophan 3139 with a stop codon.
Molecular consequence: nonsense.
Genome position (GRCh38, 1-based): chr8:99,832,454, G>A. VCF-style: chr8-99832454-G-A. GRCh37 (hg19) VCF-style: chr8-100844682-G-A.
Other names: c.9491G>A, p.Trp3164Ter (NM_017890.5); short protein forms W3139*, W3164*.
Identifiers: ClinVar variation 568179 (VCV000568179.6), dbSNP rs1563497844, ClinGen allele CA371781390.